The following is an entry in ClinVar:

NM_001846.4(COL4A2):c.2179_2203+2del

Gene: COL4A2 (collagen type IV alpha 2 chain; plus strand). Cytogenetic location: 13q34.
Variant type: Deletion.
Coding change: c.2179_2203+2del on transcript NM_001846.4 (MANE Select); coding-DNA position 2179 through the canonical splice donor site of the intron after coding-DNA position 2203, 27 bases deleted (CGTGAAGGGTTCCCAGGACCCCCAGGT).
Molecular consequence: splice donor variant.
Genome position (GRCh38, 1-based): chr13:110,469,300-110,469,326, CGTGAAGGGTTCCCAGGACCCCCAGGT deleted; deleting any 27 consecutive bases within chr13:110,469,295-110,469,326 gives the same sequence; the c. name uses the placement nearest the transcript's 3' end. VCF-style (leftmost placement, unchanged base first): chr13-110469294-GCAGGTCGTGAAGGGTTCCCAGGACCCC-G. GRCh37 (hg19) VCF-style: chr13-111121641-GCAGGTCGTGAAGGGTTCCCAGGACCCC-G.
Identifiers: ClinVar variation 2632900 (VCV002632900.1), dbSNP rs2502134969, ClinGen allele CA2695199781.

ClinVar aggregate classification (germline): Uncertain significance (1 of 4 stars; one submission).

Conditions:
COL4A2-related disorder. Also called: COL4A2-related disorders; COL4A2-related condition.

Submission:

PreventionGenetics, part of Exact Sciences
Classification: Uncertain significance for COL4A2-related condition. Last evaluated: 2023-05-15. Review status: criteria provided, single submitter. Criteria: ACMG Guidelines, 2015. Collection method: clinical testing. Allele origin: germline.
Comment: The COL4A2 c.2179_2203+2del27 variant is predicted to result in a frameshift and premature protein termination (p.Arg727Glyfs*3). To our knowledge, this variant has not been reported in the literature or in a large population database, indicating this variant is rare. Although we suspect that this variant may be pathogenic, at this time, the clinical significance of this variant is uncertain due to the absence of conclusive functional and genetic evidence.